The following is an entry in ClinVar:

NM_199355.4(ADAMTS18):c.2756C>T (p.Pro919Leu)

Gene: ADAMTS18 (ADAM metallopeptidase with thrombospondin type 1 motif 18; minus strand). Cytogenetic location: 16q23.1.
Variant type: single nucleotide variant.
Coding change: c.2756C>T on transcript NM_199355.4 (MANE Select); coding-DNA position 2756, C replaced by T.
Protein change: p.Pro919Leu; replaces proline 919 with leucine.
Molecular consequence: missense variant.
Genome position (GRCh38, 1-based): chr16:77,297,334, G>A on the plus strand (C>T on the coding strand, the complement: ADAMTS18 is on the minus strand). VCF-style: chr16-77297334-G-A. GRCh37 (hg19) VCF-style: chr16-77331231-G-A.
Other names: c.2240C>T, p.Pro747Leu (NM_001326358.2); short protein forms P747L, P919L.
Identifiers: ClinVar variation 842467 (VCV000842467.10), dbSNP rs770657684, ClinGen allele CA8180758.

ClinVar aggregate classification (germline): Uncertain significance. Review status: criteria provided, multiple submitters, no conflicts (2 of 4 stars). 2 submissions from 2 submitters: Uncertain significance (2). Last evaluated 2024-08-30.

Allele frequency attached by ClinVar (database versions not stated): gnomAD below 0.00001 and 0.00003; TOPMed below 0.00001; gnomAD exomes 0.00009 and 0.00022; ExAC 0.00023.
gnomAD v4.1: 139 of 1,613,984 alleles (0.0086%); highest among the groups gnomAD compares: South Asian, 0.14%; no homozygotes.

Submissions (2):

Blueprint Genetics
Classification: Uncertain significance. Last evaluated: 2024-08-30. Review status: criteria provided, single submitter. Criteria: ACMG Guidelines, 2015. Collection method: clinical testing. Allele origin: germline.

Labcorp Genetics (formerly Invitae), Labcorp
Classification: Uncertain significance. Last evaluated: 2022-07-31. Review status: criteria provided, single submitter. Criteria: Invitae Variant Classification Sherloc (09022015). Collection method: clinical testing. Allele origin: germline.
Comment: In summary, the available evidence is currently insufficient to determine the role of this variant in disease. Therefore, it has been classified as a Variant of Uncertain Significance. Algorithms developed to predict the effect of missense changes on protein structure and function are either unavailable or do not agree on the potential impact of this missense change (SIFT: "Not Available"; PolyPhen-2: "Probably Damaging"; Align-GVGD: "Not Available"). ClinVar contains an entry for this variant (Variation ID: 842467). This variant has not been reported in the literature in individuals affected with ADAMTS18-related conditions. This variant is present in population databases (rs770657684, gnomAD 0.2%). This sequence change replaces proline, which is neutral and non-polar, with leucine, which is neutral and non-polar, at codon 919 of the ADAMTS18 protein (p.Pro919Leu).